The following is an entry in ClinVar:

ClinVar aggregate classification (germline): Uncertain significance (1 of 4 stars; one submission).

Conditions:
SPEN-related disorder. Also called: SPEN-related condition.

gnomAD v4.1: 1 of 1,613,960 alleles (0.000062%); highest among the groups gnomAD compares: Non-Finnish European, 0.000085%; no homozygotes.

Submission:

PreventionGenetics, part of Exact Sciences
Classification: Uncertain significance for SPEN-related condition. Last evaluated: 2025-10-16. Review status: criteria provided, single submitter. Criteria: ACMG Guidelines, 2015. Collection method: clinical testing. Allele origin: germline.
Comment: The SPEN c.7726G>C variant is predicted to result in the amino acid substitution p.Val2576Leu. To our knowledge, this variant has not been reported in the literature. This variant is reported in 0.00088% of alleles in individuals of European (Non-Finnish) descent in gnomAD. At this time, the clinical significance of this variant is uncertain due to the absence of conclusive functional and genetic evidence.

NM_015001.3(SPEN):c.7726G>C (p.Val2576Leu)

Gene: SPEN (spen family transcriptional repressor; plus strand). Cytogenetic location: 1p36.13.
Variant type: single nucleotide variant.
Coding change: c.7726G>C on transcript NM_015001.3 (MANE Select); coding-DNA position 7726, G replaced by C.
Protein change: p.Val2576Leu; replaces valine 2576 with leucine.
Molecular consequence: missense variant.
Genome position (GRCh38, 1-based): chr1:15,933,966, G>C. VCF-style: chr1-15933966-G-C. GRCh37 (hg19) VCF-style: chr1-16260461-G-C.
Other names: short protein forms V2576L.
Identifiers: ClinVar variation 4988226 (VCV004988226.1).
Genomic context (GRCh38, chr1:15,933,966, plus strand): 5'-ACAGCCATTGCAGAGCCTGTCAGTGCTGCCCCTTGCCTACATGAGGCCCCGCCCCCGCCA[G>C]TTGACTCTAAAAAGCCTTTAGAAGAAAAAACAGCACCTCCAGTGACAAACAACTCTGAGA-3'
Protein context (NP_055816.2, residues 2566-2586): PCLHEAPPPP[Val2576Leu]DSKKPLEEKT